The following is an entry in ClinVar:

NM_001876.4(CPT1A):c.563del (p.Gln188fs)

Gene: CPT1A (carnitine palmitoyltransferase 1A; minus strand). Cytogenetic location: 11q13.3.
Variant type: Deletion.
Coding change: c.563del on transcript NM_001876.4 (MANE Select); coding-DNA position 563, one base deleted (A; older notation c.563delA).
Protein change: p.Gln188fs; shifts the reading frame from glutamine 188.
Molecular consequence: frameshift variant.
Genome position (GRCh38, 1-based): chr11:68,799,348, T deleted on the plus strand (A on the coding strand, the reverse complement: CPT1A is on the minus strand). VCF-style (leftmost placement, unchanged base first): chr11-68799347-CT-C. GRCh37 (hg19) VCF-style: chr11-68566815-CT-C.
Other names: c.563del, p.Gln188fs (NM_001031847.3); short protein forms Q188fs.
Identifiers: ClinVar variation 3612261 (VCV003612261.2).

ClinVar aggregate classification (germline): Pathogenic (1 of 4 stars; one submission).

Conditions:
Carnitine palmitoyl transferase 1A deficiency. Also called: Carnitine palmitoyltransferase type I deficiency; CPT deficiency, hepatic, type IA; CPT I DEFICIENCY; CPT DEFICIENCY, HEPATIC, TYPE I; Carnitine palmitoyltransferase 1A deficiency. Identifiers: Orphanet 156, MedGen C1829703, MONDO:0009705, OMIM 255120.

Submission:

Labcorp Genetics (formerly Invitae), Labcorp
Classification: Pathogenic for Carnitine palmitoyl transferase 1A deficiency. Last evaluated: 2025-01-18. Review status: criteria provided, single submitter. Criteria: Invitae Variant Classification Sherloc (09022015). Collection method: clinical testing. Allele origin: germline.
Comment: This sequence change creates a premature translational stop signal (p.Gln188Argfs*3) in the CPT1A gene. It is expected to result in an absent or disrupted protein product. Loss-of-function variants in CPT1A are known to be pathogenic (PMID: 16169268). This variant is not present in population databases (gnomAD no frequency). This variant has not been reported in the literature in individuals affected with CPT1A-related conditions. For these reasons, this variant has been classified as Pathogenic.

Literature cited by the submitters: PubMed 16169268.